The following is an entry in ClinVar:

ClinVar aggregate classification (germline): Uncertain significance (1 of 4 stars; one submission).

Conditions:
Centromeric instability of chromosomes 1,9 and 16 and immunodeficiency (ICF1). Also called: Immunodeficiency-centromeric instability-facial anomalies; IMMUNE DEFICIENCY, VARIABLE, WITH CENTROMERIC INSTABILITY OF CHROMOSOMES 1, 9, AND 16; IMMUNODEFICIENCY SYNDROME, VARIABLE; CENTROMERIC INSTABILITY, IMMUNODEFICIENCY SYNDROME. Identifiers: Orphanet 2268, MedGen C0398788, MONDO:0000133.

Allele frequency attached by ClinVar (database versions not stated): gnomAD exomes below 0.00001 and 0.00001; ExAC 0.00001.
gnomAD v4.1: 11 of 1,614,222 alleles (0.00068%); highest among the groups gnomAD compares: South Asian, 0.0044%; no homozygotes.

Submission:

Labcorp Genetics (formerly Invitae), Labcorp
Classification: Uncertain significance for Centromeric instability of chromosomes 1,9 and 16 and immunodeficiency. Last evaluated: 2021-08-31. Review status: criteria provided, single submitter. Criteria: Invitae Variant Classification Sherloc (09022015). Collection method: clinical testing. Allele origin: germline.
Comment: This sequence change replaces valine with methionine at codon 616 of the DNMT3B protein (p.Val616Met). The valine residue is highly conserved and there is a small physicochemical difference between valine and methionine. This variant is present in population databases (rs754182982, ExAC 0.006%). This variant has not been reported in the literature in individuals affected with DNMT3B-related conditions. Algorithms developed to predict the effect of missense changes on protein structure and function are either unavailable or do not agree on the potential impact of this missense change (SIFT: "Deleterious"; PolyPhen-2: "Possibly Damaging"; Align-GVGD: "Class C0"). In summary, the available evidence is currently insufficient to determine the role of this variant in disease. Therefore, it has been classified as a Variant of Uncertain Significance.

NM_006892.4(DNMT3B):c.1846G>A (p.Val616Met)

Gene: DNMT3B (DNA methyltransferase 3 beta; plus strand). Cytogenetic location: 20q11.21.
Variant type: single nucleotide variant.
Coding change: c.1846G>A on transcript NM_006892.4 (MANE Select); coding-DNA position 1846, G replaced by A.
Protein change: p.Val616Met; replaces valine 616 with methionine.
Molecular consequence: missense variant.
Genome position (GRCh38, 1-based): chr20:32,800,239, G>A. VCF-style: chr20-32800239-G-A. GRCh37 (hg19) VCF-style: chr20-31388045-G-A.
Other names: c.1822G>A, p.Val608Met (NM_175850.3); c.1660G>A, p.Val554Met (NM_001207055.2); c.1558G>A, p.Val520Met (NM_001207056.2); c.1786G>A, p.Val596Met (NM_175848.2, NM_175849.2); short protein forms V616M, V596M, V608M, V520M, V554M.
Identifiers: ClinVar variation 578788 (VCV000578788.7), dbSNP rs754182982, ClinGen allele CA9810724.